The following is an entry in ClinVar:

ClinVar aggregate classification (germline): Uncertain significance. Review status: criteria provided, multiple submitters, no conflicts (2 of 4 stars). 2 submissions from 2 submitters: Uncertain significance (2). Last evaluated 2025-05-19.

Conditions:
Baller-Gerold syndrome (BGS). Also called: CRANIOSYNOSTOSIS WITH RADIAL DEFECTS. Identifiers: Orphanet 1225, MedGen C0265308, MONDO:0009039, OMIM 218600.
Inborn genetic diseases. Identifiers: MedGen C0950123, MeSH D030342.

gnomAD v4.1: 1 of 1,608,842 alleles (0.000062%); highest among the groups gnomAD compares: Non-Finnish European, 0.000085%; no homozygotes.

Submissions (2):

Ambry Genetics
Classification: Uncertain significance for Inborn genetic diseases. Last evaluated: 2025-05-19. Review status: criteria provided, single submitter. Criteria: Ambry Variant Classification Scheme 2023. Collection method: clinical testing. Allele origin: germline.
Comment: The p.D211N variant (also known as c.631G>A), located in coding exon 5 of the RECQL4 gene, results from a G to A substitution at nucleotide position 631. The aspartic acid at codon 211 is replaced by asparagine, an amino acid with highly similar properties. This amino acid position is conserved. In addition, this alteration is predicted to be tolerated by in silico analysis. Based on the available evidence, the clinical significance of this variant remains unclear.

Labcorp Genetics (formerly Invitae), Labcorp
Classification: Uncertain significance for Baller-Gerold syndrome. Last evaluated: 2023-08-11. Review status: criteria provided, single submitter. Criteria: Invitae Variant Classification Sherloc (09022015). Collection method: clinical testing. Allele origin: germline.
Comment: This sequence change replaces aspartic acid, which is acidic and polar, with asparagine, which is neutral and polar, at codon 211 of the RECQL4 protein (p.Asp211Asn). This variant is not present in population databases (gnomAD no frequency). In summary, the available evidence is currently insufficient to determine the role of this variant in disease. Therefore, it has been classified as a Variant of Uncertain Significance. Advanced modeling of protein sequence and biophysical properties (such as structural, functional, and spatial information, amino acid conservation, physicochemical variation, residue mobility, and thermodynamic stability) performed at Invitae indicates that this missense variant is not expected to disrupt RECQL4 protein function. ClinVar contains an entry for this variant (Variation ID: 2013936). This variant has not been reported in the literature in individuals affected with RECQL4-related conditions.

NM_004260.4(RECQL4):c.631G>A (p.Asp211Asn)

Gene: RECQL4 (RecQ like helicase 4; minus strand). Cytogenetic location: 8q24.3.
Variant type: single nucleotide variant.
Coding change: c.631G>A on transcript NM_004260.4 (MANE Select); coding-DNA position 631, G replaced by A.
Protein change: p.Asp211Asn; replaces aspartic acid 211 with asparagine.
Molecular consequence: missense variant.
Genome position (GRCh38, 1-based): chr8:144,516,488, C>T on the plus strand (G>A on the coding strand, the complement: RECQL4 is on the minus strand). VCF-style: chr8-144516488-C-T. GRCh37 (hg19) VCF-style: chr8-145741872-C-T.
Other names: c.631G>A, p.Asp211Asn (NM_001413017.1, NM_001413018.1, NM_001413019.1 and 4 more transcripts); c.-441G>A (NM_001413022.1, NM_001413023.1, NM_001413024.1 and 5 more transcripts); c.502G>A, p.Asp168Asn (NM_001413025.1); c.631G>A (NM_004260.3); c.-503G>A (NM_001413027.1, NM_001413030.1, NM_001413031.1 and 2 more transcripts); c.-345G>A (NM_001413034.1); c.-710G>A (NM_001413043.1); short protein forms D211N, D168N.
Identifiers: ClinVar variation 2013936 (VCV002013936.5), dbSNP rs776528292, ClinGen allele CA372690011.